The following is an entry in ClinVar:

ClinVar aggregate classification (germline): Likely benign. Review status: criteria provided, multiple submitters, no conflicts (2 of 4 stars). 2 submissions from 2 submitters: Likely benign (2). Last evaluated 2026-02-26.

Conditions:
NBAS-related disorder. Also called: NBAS-related condition.

Allele frequency attached by ClinVar (database versions not stated): gnomAD exomes 0.00002; ESP Exome Variant Server 0.00008.
gnomAD v4.1: 16 of 1,614,178 alleles (0.00099%); highest among the groups gnomAD compares: Non-Finnish European, 0.0013%; no homozygotes.

Submissions (2):

PreventionGenetics, part of Exact Sciences
Classification: Likely benign for NBAS-related condition. Last evaluated: 2026-02-26. Review status: criteria provided, single submitter. Criteria: ACMG Guidelines, 2015. Collection method: clinical testing. Allele origin: germline.
Comment: This variant is classified as likely benign based on ACMG/AMP sequence variant interpretation guidelines (Richards et al. 2015 PMID: 25741868, with internal and published modifications).

Labcorp Genetics (formerly Invitae), Labcorp
Classification: Likely benign. Last evaluated: 2025-12-02. Review status: criteria provided, single submitter. Criteria: Invitae Variant Classification Sherloc (09022015). Collection method: clinical testing. Allele origin: germline.

NM_015909.4(NBAS):c.1548C>T (p.Tyr516=)

Gene: NBAS (NBAS subunit of NRZ tethering complex; minus strand). Cytogenetic location: 2p24.3.
Variant type: single nucleotide variant.
Coding change: c.1548C>T on transcript NM_015909.4 (MANE Select); coding-DNA position 1548, C replaced by T.
Protein change: p.Tyr516=; no amino-acid change (tyrosine 516 retained).
Molecular consequence: synonymous variant. On other transcripts: non-coding transcript variant (1).
Genome position (GRCh38, 1-based): chr2:15,474,118, G>A on the plus strand (C>T on the coding strand, the complement: NBAS is on the minus strand). VCF-style: chr2-15474118-G-A. GRCh37 (hg19) VCF-style: chr2-15614242-G-A.
Other names: c.1548C>T (NM_015909.3).
Identifiers: ClinVar variation 2714914 (VCV002714914.4), dbSNP rs374540493, ClinGen allele CA1536653.